The following is an entry in ClinVar:

NM_182961.4(SYNE1):c.13307G>A (p.Cys4436Tyr)

Gene: SYNE1 (spectrin repeat containing nuclear envelope protein 1; minus strand). Cytogenetic location: 6q25.2.
Variant type: single nucleotide variant.
Coding change: c.13307G>A on transcript NM_182961.4 (MANE Select); coding-DNA position 13307, G replaced by A.
Protein change: p.Cys4436Tyr; replaces cysteine 4436 with tyrosine.
Molecular consequence: missense variant.
Genome position (GRCh38, 1-based): chr6:152,331,378, C>T on the plus strand (G>A on the coding strand, the complement: SYNE1 is on the minus strand). VCF-style: chr6-152331378-C-T. GRCh37 (hg19) VCF-style: chr6-152652513-C-T.
Other names: c.13094G>A, p.Cys4365Tyr (NM_033071.5); short protein forms C4436Y, C4365Y.
Identifiers: ClinVar variation 850272 (VCV000850272.9), dbSNP rs1405025412, ClinGen allele CA366101986.
Genomic context (GRCh38, chr6:152,331,378, plus strand): 5'-GTTTTCTCGGACAAGGCTTTGTTTAAGTACTTTCTTCGCTGGCCCACTAAGTCACTGAGA[C>T]AATTCACGTGGCTTTGTGCATCAGAGAGAGCCTTCTGGATGACCTGTCGCTCATTGAGAC-3'
Protein context (NP_892006.3, residues 4426-4446): ALSDAQSHVN[Cys4436Tyr]LSDLVGQRRK

ClinVar aggregate classification (germline): Uncertain significance (1 of 4 stars; one submission).

Conditions:
Emery-Dreifuss muscular dystrophy 4, autosomal dominant (EDMD4). Also called: EMERY-DREIFUSS MUSCULAR DYSTROPHY 4 WITH VARIABLE FEATURES. Identifiers: Orphanet 261, MedGen C2751807, MONDO:0013071, OMIM 612998.
Autosomal recessive ataxia, Beauce type. Also called: ATAXIA, RECESSIVE, OF BEAUCE; SYNE1 Deficiency; Spinocerebellar ataxia, autosomal recessive 8; SYNE1-Related Autosomal Recessive Cerebellar Ataxia. Identifiers: Orphanet 88644, MedGen C1853116, MONDO:0012549, OMIM 610743.

Allele frequency attached by ClinVar (database versions not stated): gnomAD exomes below 0.00001.
gnomAD v4.1: 1 of 1,614,172 alleles (0.000062%); highest among the groups gnomAD compares: Non-Finnish European, 0.000085%; no homozygotes.

Submission:

Labcorp Genetics (formerly Invitae), Labcorp
Classification: Uncertain significance for Emery-Dreifuss muscular dystrophy 4, autosomal dominant; Autosomal recessive ataxia, Beauce type. Last evaluated: 2023-01-04. Review status: criteria provided, single submitter. Criteria: Invitae Variant Classification Sherloc (09022015). Collection method: clinical testing. Allele origin: germline.
Comment: In summary, the available evidence is currently insufficient to determine the role of this variant in disease. Therefore, it has been classified as a Variant of Uncertain Significance. Algorithms developed to predict the effect of missense changes on protein structure and function are either unavailable or do not agree on the potential impact of this missense change (SIFT: "Deleterious"; PolyPhen-2: "Possibly Damaging"; Align-GVGD: "Class C15"). ClinVar contains an entry for this variant (Variation ID: 850272). This variant has not been reported in the literature in individuals affected with SYNE1-related conditions. This variant is not present in population databases (gnomAD no frequency). This sequence change replaces cysteine, which is neutral and slightly polar, with tyrosine, which is neutral and polar, at codon 4365 of the SYNE1 protein (p.Cys4365Tyr).